The following is an entry in ClinVar:

ClinVar aggregate classification (germline): Conflicting classifications of pathogenicity. Review status: criteria provided, conflicting classifications (1 of 4 stars). 2 submissions from 2 submitters: Uncertain significance (1); Likely benign (1). Last evaluated 2025-12-15.

Conditions:
Chuvash polycythemia. Also called: POLYCYTHEMIA, VHL-DEPENDENT. Identifiers: Orphanet 238557, MedGen C1837915, MONDO:0009892, OMIM 263400.
Von Hippel-Lindau syndrome (VHLS). Also called: Von Hippel-Lindau; VHL syndrome; von Hippel–Lindau syndrome. Identifiers: Orphanet 892, MedGen C0019562, MONDO:0008667, OMIM 193300. Disease mechanism: loss of function.
Hereditary cancer-predisposing syndrome. Also called: Tumor predisposition; Hereditary Cancer Syndrome; Hereditary neoplastic syndrome; Neoplastic Syndromes, Hereditary. Identifiers: Orphanet 140162, MedGen C0027672, MeSH D009386, MONDO:0015356.

Submissions (2):

Ambry Genetics
Classification: Likely benign for Hereditary cancer-predisposing syndrome. Last evaluated: 2025-12-15. Review status: criteria provided, single submitter. Criteria: Ambry Variant Classification Scheme 2023. Collection method: clinical testing. Allele origin: germline.

Labcorp Genetics (formerly Invitae), Labcorp
Classification: Uncertain significance for Von Hippel-Lindau syndrome; Chuvash polycythemia. Last evaluated: 2022-08-18. Review status: criteria provided, single submitter. Criteria: Invitae Variant Classification Sherloc (09022015). Collection method: clinical testing. Allele origin: germline.
Comment: This sequence change replaces alanine, which is neutral and non-polar, with glutamic acid, which is acidic and polar, at codon 122 of the VHL protein (p.Ala122Glu). This variant is not present in population databases (gnomAD no frequency). This variant has not been reported in the literature in individuals affected with VHL-related conditions. Advanced modeling of protein sequence and biophysical properties (such as structural, functional, and spatial information, amino acid conservation, physicochemical variation, residue mobility, and thermodynamic stability) performed at Invitae indicates that this missense variant is expected to disrupt VHL protein function. In summary, the available evidence is currently insufficient to determine the role of this variant in disease. Therefore, it has been classified as a Variant of Uncertain Significance.

Literature cited by the submitters: PubMed 38969834 (cited by Ambry Genetics).

NM_000551.4(VHL):c.365C>A (p.Ala122Glu)

Genes: VHL (von Hippel-Lindau tumor suppressor; plus strand), LOC107303340 (3p25 von Hippel-Lindau tumor suppressor, E3 ubiquitin protein ligase Alu-mediated recombination region; plus strand). Cytogenetic location: 3p25.3.
Variant type: single nucleotide variant.
Coding change: c.365C>A on transcript NM_000551.4 (MANE Select); coding-DNA position 365, C replaced by A.
Protein change: p.Ala122Glu; replaces alanine 122 with glutamic acid.
Molecular consequence: missense variant. On other transcripts: intron variant (2).
Genome position (GRCh38, 1-based): chr3:10,146,538, C>A. VCF-style: chr3-10146538-C-A. GRCh37 (hg19) VCF-style: chr3-10188222-C-A.
Other names: c.*18-3249C>A (NM_001354723.2); c.341-3249C>A (NM_198156.3); short protein forms A122E.
Identifiers: ClinVar variation 1733659 (VCV001733659.7), dbSNP rs1696261924, ClinGen allele CA351753772.